The following is an entry in ClinVar:

ClinVar aggregate classification (germline): Uncertain significance. Review status: criteria provided, single submitter (1 of 4 stars). 2 submissions from 2 submitters: Uncertain significance (1). 1 of the submissions does not count toward it. Last evaluated 2025-04-13.

Conditions:
Inborn genetic diseases. Identifiers: MedGen C0950123, MeSH D030342.
VPS16-related disorder. Also called: VPS16-related condition.

Allele frequency attached by ClinVar (database versions not stated): gnomAD 0.00001; gnomAD exomes 0.00001; ExAC 0.00001; TOPMed 0.00002.
gnomAD v4.1: 16 of 1,613,188 alleles (0.00099%); highest among the groups gnomAD compares: Non-Finnish European, 0.0014%; no homozygotes.

Submissions (2):

Ambry Genetics
Classification: Uncertain significance for Inborn genetic diseases. Last evaluated: 2025-04-13. Review status: criteria provided, single submitter. Criteria: Ambry Variant Classification Scheme 2023. Collection method: clinical testing. Allele origin: germline.

PreventionGenetics, part of Exact Sciences
Classification: Uncertain significance for VPS16-related condition. Last evaluated: 2024-07-13. Review status: no assertion criteria provided. Collection method: clinical testing. Allele origin: germline. Not counted in ClinVar's aggregate classification.
Comment: The VPS16 c.1510G>T variant is predicted to result in the amino acid substitution p.Ala504Ser. To our knowledge, this variant has not been reported in the literature. This variant is reported in 0.0031% of alleles in individuals of European (Non-Finnish) descent in gnomAD. At this time, the clinical significance of this variant is uncertain due to the absence of conclusive functional and genetic evidence.

NM_022575.4(VPS16):c.1510G>T (p.Ala504Ser)

Gene: VPS16 (VPS16 core subunit of CORVET and HOPS complexes; plus strand). Cytogenetic location: 20p13.
Variant type: single nucleotide variant.
Coding change: c.1510G>T on transcript NM_022575.4 (MANE Select); coding-DNA position 1510, G replaced by T.
Protein change: p.Ala504Ser; replaces alanine 504 with serine.
Molecular consequence: missense variant.
Genome position (GRCh38, 1-based): chr20:2,863,982, G>T. VCF-style: chr20-2863982-G-T. GRCh37 (hg19) VCF-style: chr20-2844628-G-T.
Other names: c.1078G>T, p.Ala360Ser (NM_080413.3); c.1510G>T (NM_022575.3); short protein forms A360S, A504S.
Identifiers: ClinVar variation 2392916 (VCV002392916.4), dbSNP rs772562294, ClinGen allele CA9737773.